The following is an entry in ClinVar:

NM_001625.4(AK2):c.425+5T>G

Gene: AK2 (adenylate kinase 2; minus strand). Cytogenetic location: 1p35.1.
Variant type: single nucleotide variant.
Coding change: c.425+5T>G on transcript NM_001625.4 (MANE Select); 5 bases into the intron after coding-DNA position 425, T replaced by G.
Molecular consequence: intron variant.
Genome position (GRCh38, 1-based): chr1:33,021,362, A>C on the plus strand (T>G on the coding strand, the complement: AK2 is on the minus strand). VCF-style: chr1-33021362-A-C. GRCh37 (hg19) VCF-style: chr1-33486963-A-C.
Other names: c.425+5T>G (NM_013411.5, NM_001319141.3); c.299+5T>G (NM_001319142.3); c.330+231T>G (NM_001319143.2); c.401+29T>G (NM_001199199.3); c.281+5T>G (NM_001319139.3, NM_001319140.2).
Identifiers: ClinVar variation 4684823 (VCV004684823.1).

ClinVar aggregate classification (germline): Likely benign (1 of 4 stars; one submission).

Submission:

Mayo Clinic Laboratories, Mayo Clinic
Classification: Likely benign. Last evaluated: 2025-04-17. Review status: criteria provided, single submitter. Criteria: ACMG Guidelines, 2015. Collection method: clinical testing. Allele origin: germline. Observed: 1 variant allele.
Comment: BP4, BP7, PM2_supporting